The following is an entry in ClinVar:

NM_000051.4(ATM):c.5783T>G (p.Phe1928Cys)

Genes: ATM (ATM serine/threonine kinase; plus strand), C11orf65 (chromosome 11 open reading frame 65; minus strand). Cytogenetic location: 11q22.3.
Variant type: single nucleotide variant.
Coding change: c.5783T>G on transcript NM_000051.4 (MANE Select); coding-DNA position 5783, T replaced by G.
Protein change: p.Phe1928Cys; replaces phenylalanine 1928 with cysteine.
Molecular consequence: missense variant. On other transcripts: intron variant (2).
Genome position (GRCh38, 1-based): chr11:108,310,180, T>G. VCF-style: chr11-108310180-T-G. GRCh37 (hg19) VCF-style: chr11-108180907-T-G.
Other names: c.5783T>G, p.Phe1928Cys (NM_001351834.2); c.641-1109A>C (NM_001330368.2); c.*39-1109A>C (NM_001351110.2); short protein forms F1928C.
Identifiers: ClinVar variation 1397278 (VCV001397278.8), dbSNP rs2136012463, ClinGen allele CA382548310.

ClinVar aggregate classification (germline): Uncertain significance (1 of 4 stars; one submission).

Conditions:
Ataxia-telangiectasia syndrome (AT). Also called: Ataxia-telangiectasia; LOUIS-BAR SYNDROME; Ataxia-telangiectasia, complementation group D; AT, COMPLEMENTATION GROUP C; ATAXIA-TELANGIECTASIA, COMPLEMENTATION GROUP A; ATAXIA-TELANGIECTASIA, FRESNO VARIANT. Identifiers: Orphanet 100, MedGen C0004135, MONDO:0008840, OMIM 208900.

Submission:

Labcorp Genetics (formerly Invitae), Labcorp
Classification: Uncertain significance for Ataxia-telangiectasia syndrome. Last evaluated: 2021-04-01. Review status: criteria provided, single submitter. Criteria: Invitae Variant Classification Sherloc (09022015). Collection method: clinical testing. Allele origin: germline.
Comment: In summary, the available evidence is currently insufficient to determine the role of this variant in disease. Therefore, it has been classified as a Variant of Uncertain Significance. Advanced modeling of protein sequence and biophysical properties (such as structural, functional, and spatial information, amino acid conservation, physicochemical variation, residue mobility, and thermodynamic stability) performed at Invitae indicates that this missense variant is not expected to disrupt ATM protein function. This variant has not been reported in the literature in individuals with ATM-related conditions. This variant is not present in population databases (ExAC no frequency). This sequence change replaces phenylalanine with cysteine at codon 1928 of the ATM protein (p.Phe1928Cys). The phenylalanine residue is moderately conserved and there is a large physicochemical difference between phenylalanine and cysteine.